The following is an entry in ClinVar:

ClinVar aggregate classification (germline): Likely pathogenic (1 of 4 stars; one submission).

Conditions:
Sialic acid storage disease, severe infantile type (ISSD). Also called: INFANTILE SIALIC ACID STORAGE DISORDER; N-ACETYLNEURAMINIC ACID STORAGE DISEASE; NANA STORAGE DISEASE; SIALURIA, INFANTILE FORM; Infantile Sialic Acid Storage Disease; Free sialic acid storage disease, infantile form. Identifiers: Orphanet 309324, Orphanet 834, MedGen C1096902, MONDO:0010027, OMIM 269920.

Submission:

Myriad Genetics, Inc.
Classification: Likely pathogenic for Sialic acid storage disease, severe infantile type. Last evaluated: 2022-03-17. Review status: criteria provided, single submitter. Criteria: Myriad Autosomal Dominant, Autosomal Recessive and X-Linked Classification Criteria (2023). Collection method: clinical testing. Allele origin: unknown.
Comment: NM_012434.4(SLC17A5):c.390delC(S131Afs*3) is expected to be pathogenic in the context of free sialic acid storage disorders. This variant is predicted to lead to an abnormal or absent protein product due to the creation of a premature termination codon in SLC17A5, a gene where loss-of-function variants are known to be pathogenic. Please note: this variant was assessed in the context of healthy population screening.

NM_012434.5(SLC17A5):c.390del (p.Ser131fs)

Gene: SLC17A5 (solute carrier family 17 member 5; minus strand). Cytogenetic location: 6q13.
Variant type: Deletion.
Coding change: c.390del on transcript NM_012434.5 (MANE Select); coding-DNA position 390, one base deleted (C; older notation c.390delC).
Protein change: p.Ser131fs; shifts the reading frame from serine 131.
Molecular consequence: frameshift variant.
Genome position (GRCh38, 1-based): chr6:73,641,826, G deleted on the plus strand (C on the coding strand, the reverse complement: SLC17A5 is on the minus strand); the first of 2 consecutive G bases (chr6:73,641,826-73,641,827); deleting either gives the same sequence. VCF-style (leftmost placement, unchanged base first): chr6-73641825-TG-T. GRCh37 (hg19) VCF-style: chr6-74351548-TG-T.
Other names: c.159del, p.Ser54fs (NM_001382629.1, NM_001382636.1); c.390del, p.Ser131fs (NM_001382630.1, NM_001382632.1, NM_001382633.1 and 2 more transcripts); c.411del, p.Ser138fs (NM_001382631.1); short protein forms S131fs, S138fs, S54fs.
Identifiers: ClinVar variation 1725350 (VCV001725350.3), dbSNP rs2533511205, ClinGen allele CA2580075800.
Genomic context (GRCh38, chr6:73,641,825, plus strand): 5'-GGGTGAGGACAGCAGTGCCAAGGATCCCAAATCCTAGCAGCATTTTCCCCCCTATTTTGC[TG>T]GCAACATATCCTCCAGGAATCTGTGTGATGATGTAGCCATAAAAAAAGGAACCGAGAATC-3'